The following is an entry in ClinVar:

ClinVar aggregate classification (germline): Pathogenic (1 of 4 stars; one submission).

Conditions:
Neurofibromatosis, type 1 (NF1). Also called: Neurofibromatosis, type I; NEUROFIBROMATOSIS, TYPE I, SOMATIC; Peripheral type neurofibromatosis; VON RECKLINGHAUSEN DISEASE. Identifiers: Orphanet 636, MedGen C0027831, MONDO:0018975, OMIM 162200. Disease mechanism: loss of function.

Submission:

Labcorp Genetics (formerly Invitae), Labcorp
Classification: Pathogenic for Neurofibromatosis, type 1. Last evaluated: 2023-06-22. Review status: criteria provided, single submitter. Criteria: Invitae Variant Classification Sherloc (09022015). Collection method: clinical testing. Allele origin: germline.
Comment: This sequence change creates a premature translational stop signal (p.Cys328*) in the NF1 gene. It is expected to result in an absent or disrupted protein product. Loss-of-function variants in NF1 are known to be pathogenic (PMID: 10712197, 23913538). This variant is not present in population databases (gnomAD no frequency). This variant has not been reported in the literature in individuals affected with NF1-related conditions. For these reasons, this variant has been classified as Pathogenic.

Literature cited by the submitters: PubMed 10712197; PubMed 23913538.

NM_001042492.3(NF1):c.984del (p.Leu327_Cys328insTer)

Gene: NF1 (neurofibromin 1; plus strand). Cytogenetic location: 17q11.2.
Variant type: Deletion.
Coding change: c.984del on transcript NM_001042492.3 (MANE Select); coding-DNA position 984, one base deleted (T; older notation c.984delT).
Protein change: p.Leu327_Cys328insTer.
Molecular consequence: nonsense. On other transcripts: frameshift variant (1).
Genome position (GRCh38, 1-based): chr17:31,200,517, T deleted. VCF-style (leftmost placement, unchanged base first): chr17-31200516-GT-G. GRCh37 (hg19) VCF-style: chr17-29527534-GT-G.
Other names: c.984delT, p.Cys328Terfs (NM_000267.4); c.984del, p.Leu327_Cys328insTer (NM_001128147.3).
Identifiers: ClinVar variation 2723922 (VCV002723922.3), dbSNP rs2544793939, ClinGen allele CA2697559675.